The following is an entry in ClinVar:

ClinVar aggregate classification (germline): Conflicting classifications of pathogenicity. Review status: criteria provided, conflicting classifications (1 of 4 stars). 2 submissions from 2 submitters: Uncertain significance (1); Benign (1). Last evaluated 2026-03-04.

Conditions:
Hereditary pulmonary alveolar proteinosis. Also called: Pulmonary surfactant metabolism dysfunction. Identifiers: Orphanet 264675, MedGen C3711368, MONDO:0012580.
SFTPC-related disorder. Also called: SFTPC-related condition.

Allele frequency attached by ClinVar (database versions not stated): ExAC 0.00002; gnomAD 0.00003; TOPMed 0.00003; gnomAD exomes 0.00005.
gnomAD v4.1: 74 of 1,614,136 alleles (0.0046%); highest among the groups gnomAD compares: Middle Eastern, 0.016%; no homozygotes.

Submissions (2):

Ambry Genetics
Classification: Benign for Hereditary pulmonary alveolar proteinosis. Last evaluated: 2026-03-04. Review status: criteria provided, single submitter. Criteria: Ambry Variant Classification Scheme 2023. Collection method: clinical testing. Allele origin: germline.

PreventionGenetics, part of Exact Sciences
Classification: Uncertain significance for SFTPC-related condition. Last evaluated: 2023-06-08. Review status: criteria provided, single submitter. Criteria: ACMG Guidelines, 2015. Collection method: clinical testing. Allele origin: germline.
Comment: The SFTPC c.242G>A variant is predicted to result in the amino acid substitution p.Arg81His. To our knowledge, this variant has not been reported in the literature. This variant is reported in 0.0065% of alleles in individuals of South Asian descent in gnomAD. At this time, the clinical significance of this variant is uncertain due to the absence of conclusive functional and genetic evidence.

NM_001317778.2(SFTPC):c.242G>A (p.Arg81His)

Gene: SFTPC (surfactant protein C; plus strand). Cytogenetic location: 8p21.3.
Variant type: single nucleotide variant.
Coding change: c.242G>A on transcript NM_001317778.2 (MANE Select); coding-DNA position 242, G replaced by A.
Protein change: p.Arg81His; replaces arginine 81 with histidine.
Molecular consequence: missense variant.
Genome position (GRCh38, 1-based): chr8:22,163,120, G>A. VCF-style: chr8-22163120-G-A. GRCh37 (hg19) VCF-style: chr8-22020633-G-A.
Other names: c.242G>A, p.Arg81His (NM_001172357.2, NM_001172410.2, NM_001317780.2 and 8 more transcripts); c.83G>A, p.Arg28His (NM_001317779.2, NM_001385660.1); short protein forms R28H, R81H.
Identifiers: ClinVar variation 1791150 (VCV001791150.4), dbSNP rs766383484, ClinGen allele CA4663944.